The following is an entry in ClinVar:

NM_052947.4(ALPK2):c.4994C>T (p.Ala1665Val)

Genes: ALPK2 (alpha kinase 2; minus strand), LOC130062577 (ATAC-STARR-seq lymphoblastoid active region 13389; plus strand). Cytogenetic location: 18q21.31.
Variant type: single nucleotide variant.
Coding change: c.4994C>T on transcript NM_052947.4 (MANE Select); coding-DNA position 4994, C replaced by T.
Protein change: p.Ala1665Val; replaces alanine 1665 with valine.
Molecular consequence: missense variant.
Genome position (GRCh38, 1-based): chr18:58,535,193, G>A on the plus strand (C>T on the coding strand, the complement: ALPK2 is on the minus strand). VCF-style: chr18-58535193-G-A. GRCh37 (hg19) VCF-style: chr18-56202425-G-A.
Other names: short protein forms A1665V.
Identifiers: ClinVar variation 2497278 (VCV002497278.2), dbSNP rs2051637400, ClinGen allele CA402559009.

ClinVar aggregate classification (germline): Uncertain significance (1 of 4 stars; one submission).

Allele frequency attached by ClinVar (database versions not stated): gnomAD exomes below 0.00001.
gnomAD v4.1: 1 of 1,614,010 alleles (0.000062%); highest among the groups gnomAD compares: African/African-American, 0.0013%; no homozygotes.

Submission:

Ambry Genetics
Classification: Uncertain significance. Last evaluated: 2022-11-02. Review status: criteria provided, single submitter. Criteria: Ambry Variant Classification Scheme 2023. Collection method: clinical testing. Allele origin: germline.
Comment: The p.A1665V variant (also known as c.4994C>T), located in coding exon 4 of the ALPK2 gene, results from a C to T substitution at nucleotide position 4994. The alanine at codon 1665 is replaced by valine, an amino acid with similar properties. This amino acid position is conserved. In addition, this alteration is predicted to be tolerated by in silico analysis. Since supporting evidence is limited at this time, the clinical significance of this alteration remains unclear.